The following is an entry in ClinVar:

ClinVar aggregate classification (germline): Uncertain significance. Review status: criteria provided, multiple submitters, no conflicts (2 of 4 stars). 2 submissions from 2 submitters: Uncertain significance (2). Last evaluated 2025-08-11.

Conditions:
Inborn genetic diseases. Identifiers: MedGen C0950123, MeSH D030342.

gnomAD v4.1: 74 of 1,592,836 alleles (0.0046%); highest among the groups gnomAD compares: South Asian, 0.068%; 1 homozygote.

Submissions (2):

Ambry Genetics
Classification: Uncertain significance for Inborn genetic diseases. Last evaluated: 2025-08-11. Review status: criteria provided, single submitter. Criteria: Ambry Variant Classification Scheme 2023. Collection method: clinical testing. Allele origin: germline.

Labcorp Genetics (formerly Invitae), Labcorp
Classification: Uncertain significance. Last evaluated: 2024-11-11. Review status: criteria provided, single submitter. Criteria: Invitae Variant Classification Sherloc (09022015). Collection method: clinical testing. Allele origin: germline.
Comment: This sequence change replaces threonine, which is neutral and polar, with methionine, which is neutral and non-polar, at codon 1579 of the KIAA1549 protein (p.Thr1579Met). This variant is present in population databases (rs572212859, gnomAD 0.09%). This variant has not been reported in the literature in individuals affected with KIAA1549-related conditions. ClinVar contains an entry for this variant (Variation ID: 1404599). An algorithm developed to predict the effect of missense changes on protein structure and function (PolyPhen-2) suggests that this variant is likely to be disruptive. In summary, the available evidence is currently insufficient to determine the role of this variant in disease. Therefore, it has been classified as a Variant of Uncertain Significance.

NM_001164665.2(KIAA1549):c.4736C>T (p.Thr1579Met)

Gene: KIAA1549 (KIAA1549; minus strand). Cytogenetic location: 7q34.
Variant type: single nucleotide variant.
Coding change: c.4736C>T on transcript NM_001164665.2 (MANE Select); coding-DNA position 4736, C replaced by T.
Protein change: p.Thr1579Met; replaces threonine 1579 with methionine.
Molecular consequence: missense variant.
Genome position (GRCh38, 1-based): chr7:138,869,577, G>A on the plus strand (C>T on the coding strand, the complement: KIAA1549 is on the minus strand). VCF-style: chr7-138869577-G-A. GRCh37 (hg19) VCF-style: chr7-138554323-G-A.
Other names: c.4736C>T (NM_001164665.1); c.4736C>T, p.Thr1579Met (NM_020910.3); short protein forms T1579M.
Identifiers: ClinVar variation 1404599 (VCV001404599.10), dbSNP rs572212859, ClinGen allele CA4505784.